The following is an entry in ClinVar:

ClinVar aggregate classification (germline): Uncertain significance (1 of 4 stars; one submission).

Conditions:
Immunodeficiency, common variable, 7. Identifiers: Orphanet 1572, Orphanet 696894, MedGen C3542922, MONDO:0013862, OMIM 614699.

Allele frequency attached by ClinVar (database versions not stated): ExAC 0.00002; TOPMed below 0.00001; gnomAD exomes 0.00001.

Submission:

Labcorp Genetics (formerly Invitae), Labcorp
Classification: Uncertain significance for Immunodeficiency, common variable, 7. Last evaluated: 2023-11-22. Review status: criteria provided, single submitter. Criteria: Invitae Variant Classification Sherloc (09022015). Collection method: clinical testing. Allele origin: germline.
Comment: This sequence change replaces alanine, which is neutral and non-polar, with valine, which is neutral and non-polar, at codon 42 of the CR2 protein (p.Ala42Val). This variant is present in population databases (rs764660492, gnomAD 0.01%). This variant has not been reported in the literature in individuals affected with CR2-related conditions. Algorithms developed to predict the effect of missense changes on protein structure and function output the following: SIFT: "Not Available"; PolyPhen-2: "Benign"; Align-GVGD: "Not Available". The valine amino acid residue is found in multiple mammalian species, which suggests that this missense change does not adversely affect protein function. In summary, the available evidence is currently insufficient to determine the role of this variant in disease. Therefore, it has been classified as a Variant of Uncertain Significance.

NM_001006658.3(CR2):c.125C>T (p.Ala42Val)

Gene: CR2 (complement C3d receptor 2; plus strand). Cytogenetic location: 1q32.2.
Variant type: single nucleotide variant.
Coding change: c.125C>T on transcript NM_001006658.3 (MANE Select); coding-DNA position 125, C replaced by T.
Protein change: p.Ala42Val; replaces alanine 42 with valine.
Molecular consequence: missense variant.
Genome position (GRCh38, 1-based): chr1:207,466,592, C>T. VCF-style: chr1-207466592-C-T. GRCh37 (hg19) VCF-style: chr1-207639937-C-T.
Other names: c.125C>T, p.Ala42Val (NM_001877.5); short protein forms A42V.
Identifiers: ClinVar variation 2715673 (VCV002715673.2), dbSNP rs764660492, ClinGen allele CA1368371.
Genomic context (GRCh38, chr1:207,466,592, plus strand): 5'-CTTGTGGCTCTCCTCCGCCTATCCTAAATGGCCGGATTAGTTATTATTCTACCCCCATTG[C>T]TGTTGGTACCGTGATAAGGTACAGTTGTTCAGGTACCTTCCGCCTCATTGGAGAAAAAAG-3'
Protein context (NP_001006659.1, residues 32-52): GRISYYSTPI[Ala42Val]VGTVIRYSCS